The following is an entry in ClinVar:

NM_015102.5(NPHP4):c.3804C>T (p.Pro1268=)

Gene: NPHP4 (nephrocystin 4; minus strand). Cytogenetic location: 1p36.31.
Variant type: single nucleotide variant.
Coding change: c.3804C>T on transcript NM_015102.5 (MANE Select); coding-DNA position 3804, C replaced by T.
Protein change: p.Pro1268=; no amino-acid change (proline 1268 retained).
Molecular consequence: synonymous variant. On other transcripts: non-coding transcript variant (1).
Genome position (GRCh38, 1-based): chr1:5,865,114, G>A on the plus strand (C>T on the coding strand, the complement: NPHP4 is on the minus strand). VCF-style: chr1-5865114-G-A. GRCh37 (hg19) VCF-style: chr1-5925174-G-A.
Other names: c.2265C>T, p.Pro755= (NM_001291593.2); c.2268C>T, p.Pro756= (NM_001291594.2).
Identifiers: ClinVar variation 1657341 (VCV001657341.15), dbSNP rs1279952528, ClinGen allele CA415787403.

ClinVar aggregate classification (germline): Likely benign. Review status: criteria provided, multiple submitters, no conflicts (2 of 4 stars). 2 submissions from 2 submitters: Likely benign (2). Last evaluated 2025-03-01.

Conditions:
Nephronophthisis. Also called: Juvenile Nephronophthisis. Identifiers: Orphanet 655, MedGen C0687120, MONDO:0019005, HP:0000090.

Allele frequency attached by ClinVar (database versions not stated): gnomAD 0.00001; gnomAD exomes 0.00001; TOPMed 0.00003.
gnomAD v4.1: 24 of 1,613,552 alleles (0.0015%); highest among the groups gnomAD compares: Admixed American, 0.005%; no homozygotes.

Submissions (2):

CeGaT Center for Human Genetics Tuebingen
Classification: Likely benign. Last evaluated: 2025-03-01. Review status: criteria provided, single submitter. Criteria: CeGaT Center For Human Genetics Tuebingen Variant Classification Criteria Version 2. Collection method: clinical testing. Allele origin: germline. Affected: yes. Observed: 1 variant allele.
Comment: NPHP4: BP4, BP7

Labcorp Genetics (formerly Invitae), Labcorp
Classification: Likely benign for Nephronophthisis. Last evaluated: 2025-02-16. Review status: criteria provided, single submitter. Criteria: Invitae Variant Classification Sherloc (09022015). Collection method: clinical testing. Allele origin: germline.